The following is an entry in ClinVar:

ClinVar aggregate classification (germline): Uncertain significance (1 of 4 stars; one submission).

Allele frequency attached by ClinVar (database versions not stated): gnomAD 0.00001; TOPMed 0.00001.
gnomAD v4.1: 1 of 1,612,292 alleles (0.000062%); highest among the groups gnomAD compares: African/African-American, 0.0013%; no homozygotes.

Submission:

Labcorp Genetics (formerly Invitae), Labcorp
Classification: Uncertain significance. Last evaluated: 2022-05-21. Review status: criteria provided, single submitter. Criteria: Invitae Variant Classification Sherloc (09022015). Collection method: clinical testing. Allele origin: germline.
Comment: This variant has not been reported in the literature in individuals affected with ABCC6-related conditions. Algorithms developed to predict the effect of missense changes on protein structure and function are either unavailable or do not agree on the potential impact of this missense change (SIFT: "Deleterious"; PolyPhen-2: "Probably Damaging"; Align-GVGD: "Class C0"). In summary, the available evidence is currently insufficient to determine the role of this variant in disease. Therefore, it has been classified as a Variant of Uncertain Significance. This variant is not present in population databases (gnomAD no frequency). This sequence change replaces valine, which is neutral and non-polar, with glutamic acid, which is acidic and polar, at codon 693 of the ABCC6 protein (p.Val693Glu).

NM_001171.6(ABCC6):c.2078T>A (p.Val693Glu)

Gene: ABCC6 (ATP binding cassette subfamily C member 6; minus strand). Cytogenetic location: 16p13.11.
Variant type: single nucleotide variant.
Coding change: c.2078T>A on transcript NM_001171.6 (MANE Select); coding-DNA position 2078, T replaced by A.
Protein change: p.Val693Glu; replaces valine 693 with glutamic acid.
Molecular consequence: missense variant. On other transcripts: non-coding transcript variant (1).
Genome position (GRCh38, 1-based): chr16:16,182,581, A>T on the plus strand (T>A on the coding strand, the complement: ABCC6 is on the minus strand). VCF-style: chr16-16182581-A-T. GRCh37 (hg19) VCF-style: chr16-16276438-A-T.
Other names: c.1736T>A, p.Val579Glu (NM_001351800.1); short protein forms V579E, V693E.
Identifiers: ClinVar variation 1997751 (VCV001997751.4), dbSNP rs374763280, ClinGen allele CA278647995.